The following is an entry in ClinVar:

NM_004656.4(BAP1):c.936T>C (p.Gly312=)

Gene: BAP1 (BRCA1 associated deubiquitinase 1; minus strand). Cytogenetic location: 3p21.1.
Variant type: single nucleotide variant.
Coding change: c.936T>C on transcript NM_004656.4 (MANE Select); coding-DNA position 936, T replaced by C.
Protein change: p.Gly312=; no amino-acid change (glycine 312 retained).
Molecular consequence: synonymous variant.
Genome position (GRCh38, 1-based): chr3:52,405,290, A>G on the plus strand (T>C on the coding strand, the complement: BAP1 is on the minus strand). VCF-style: chr3-52405290-A-G. GRCh37 (hg19) VCF-style: chr3-52439306-A-G.
Identifiers: ClinVar variation 490910 (VCV000490910.9), dbSNP rs1553645337, ClinGen allele CA433775193.

ClinVar aggregate classification (germline): Benign/Likely benign. Review status: criteria provided, multiple submitters, no conflicts (2 of 4 stars). 4 submissions from 4 submitters: Benign (1); Likely benign (3). Last evaluated 2025-04-09.

Conditions:
Hereditary cancer-predisposing syndrome. Also called: Hereditary Cancer Syndrome; Neoplastic Syndromes, Hereditary; Tumor predisposition; Hereditary neoplastic syndrome. Identifiers: Orphanet 140162, MedGen C0027672, MeSH D009386, MONDO:0015356.
BAP1-related tumor predisposition syndrome (TPDS1). Also called: Tumor susceptibility linked to germline BAP1 mutations; BAP1 tumor predisposition syndrome; COMMON Syndrome; TUMOR PREDISPOSITION SYNDROME 1. Identifiers: Orphanet 289539, MedGen C3280492, MONDO:0013692, OMIM 614327.

Allele frequency attached by ClinVar (database versions not stated): gnomAD exomes below 0.00001.
gnomAD v4.1: 1 of 1,613,692 alleles (0.000062%); no homozygotes.

Submissions (4):

Labcorp Genetics (formerly Invitae), Labcorp
Classification: Likely benign for BAP1-related tumor predisposition syndrome. Last evaluated: 2025-04-09. Review status: criteria provided, single submitter. Criteria: Invitae Variant Classification Sherloc (09022015). Collection method: clinical testing. Allele origin: germline.

Myriad Genetics, Inc.
Classification: Benign for BAP1-related tumor predisposition syndrome. Last evaluated: 2024-07-15. Review status: criteria provided, single submitter. Criteria: Myriad Autosomal Dominant, Autosomal Recessive and X-Linked Classification Criteria (2023). Collection method: clinical testing. Allele origin: unknown.
Comment: This variant is considered benign. This variant is a silent/synonymous amino acid change and it is not expected to impact splicing.

Ambry Genetics
Classification: Likely benign for Hereditary cancer-predisposing syndrome. Last evaluated: 2021-07-04. Review status: criteria provided, single submitter. Criteria: Ambry Variant Classification Scheme 2023. Collection method: clinical testing. Allele origin: germline.

Color Diagnostics, LLC DBA Color Health
Classification: Likely benign for Hereditary cancer-predisposing syndrome. Last evaluated: 2017-10-14. Review status: criteria provided, single submitter. Criteria: ACMG Guidelines, 2015. Collection method: clinical testing. Allele origin: germline.